The following is an entry in ClinVar:

ClinVar aggregate classification (germline): Uncertain significance (1 of 4 stars; one submission).

Conditions:
Cardiovascular phenotype. Identifiers: MedGen CN230736.

gnomAD v4.1: 1 of 1,614,076 alleles (0.000062%); highest among the groups gnomAD compares: East Asian, 0.0022%; no homozygotes.

Submission:

Ambry Genetics
Classification: Uncertain significance for Cardiovascular phenotype. Last evaluated: 2023-01-09. Review status: criteria provided, single submitter. Criteria: Ambry Variant Classification Scheme 2023. Collection method: clinical testing. Allele origin: germline.
Comment: The p.P312T variant (also known as c.934C>A) is located in coding exon 9 of the PTPN11 gene. The proline at codon 312 is replaced by threonine, an amino acid with highly similar properties. This change occurs in the first base pair of coding exon 9. This amino acid position is conserved. In addition, the in silico prediction for this alteration is inconclusive. Since supporting evidence is limited at this time, the clinical significance of this alteration remains unclear.

NM_002834.5(PTPN11):c.934C>A (p.Pro312Thr)

Gene: PTPN11 (protein tyrosine phosphatase non-receptor type 11; plus strand). Cytogenetic location: 12q24.13.
Variant type: single nucleotide variant.
Coding change: c.934C>A on transcript NM_002834.5 (MANE Select); coding-DNA position 934, C replaced by A.
Protein change: p.Pro312Thr; replaces proline 312 with threonine.
Molecular consequence: missense variant.
Genome position (GRCh38, 1-based): chr12:112,477,857, C>A. VCF-style: chr12-112477857-C-A. GRCh37 (hg19) VCF-style: chr12-112915661-C-A.
Other names: c.934C>A, p.Pro312Thr (NM_001330437.2, NM_080601.3); c.931C>A, p.Pro311Thr (NM_001374625.1); short protein forms P312T, P311T.
Identifiers: ClinVar variation 2453880 (VCV002453880.2), dbSNP rs1340471856, ClinGen allele CA386790977.